The following is an entry in ClinVar:

NM_000092.5(COL4A4):c.3265G>A (p.Glu1089Lys)

Gene: COL4A4 (collagen type IV alpha 4 chain; minus strand). Cytogenetic location: 2q36.3.
Variant type: single nucleotide variant.
Coding change: c.3265G>A on transcript NM_000092.5 (MANE Select); coding-DNA position 3265, G replaced by A.
Protein change: p.Glu1089Lys; replaces glutamic acid 1089 with lysine.
Molecular consequence: missense variant.
Genome position (GRCh38, 1-based): chr2:227,047,499, C>T on the plus strand (G>A on the coding strand, the complement: COL4A4 is on the minus strand). VCF-style: chr2-227047499-C-T. GRCh37 (hg19) VCF-style: chr2-227912215-C-T.
Other names: short protein forms E1089K.
Identifiers: ClinVar variation 3391607 (VCV003391607.2).

ClinVar aggregate classification (germline): Uncertain significance. Review status: criteria provided, multiple submitters, no conflicts (2 of 4 stars). 2 submissions from 2 submitters: Uncertain significance (2). Last evaluated 2024-06-17.

Conditions:
Autosomal recessive Alport syndrome (ATS2). Also called: ALPORT SYNDROME 2, AUTOSOMAL RECESSIVE; COL4A4 Alport Syndrome and Thin Basement Membrane Nephropathy; COL4A3-Related Nephropathy; Alport syndrome type 2. Identifiers: Orphanet 63, Orphanet 88919, MedGen C4746745, MONDO:0008762, OMIM 203780.
Hematuria, benign familial, 1 (BFH1). Also called: THIN MEMBRANE NEPHROPATHY. Identifiers: MedGen CN376803, MONDO:0007709, OMIM 141200.

Submissions (2):

GeneDx
Classification: Uncertain significance. Last evaluated: 2024-06-17. Review status: criteria provided, single submitter. Criteria: GeneDx Variant Classification Process June 2021. Collection method: clinical testing. Allele origin: germline. Affected: yes.
Comment: Not observed at significant frequency in large population cohorts (gnomAD); In silico analysis supports a deleterious effect on splicing; In silico analysis indicates that this missense variant does not alter protein structure/function; Has not been previously published as pathogenic or benign to our knowledge; Occurs in the triple helical domain at the X position in the canonical Gly-X-Y repeat; although this variant may have an effect on normal protein folding and function, missense substitution at the X position is not a common mechanism of disease

Fulgent Genetics
Classification: Uncertain significance for Hematuria, benign familial, 1; Autosomal recessive Alport syndrome. Last evaluated: 2023-12-30. Review status: criteria provided, single submitter. Criteria: ACMG Guidelines, 2015. Collection method: clinical testing. Allele origin: germline.